The following is an entry in ClinVar:

ClinVar aggregate classification (germline): Pathogenic (1 of 4 stars; one submission).

Conditions:
Hereditary cancer-predisposing syndrome. Also called: Tumor predisposition; Hereditary Cancer Syndrome; Hereditary neoplastic syndrome; Neoplastic Syndromes, Hereditary. Identifiers: Orphanet 140162, MedGen C0027672, MeSH D009386, MONDO:0015356.

Submission:

Ambry Genetics
Classification: Pathogenic for Hereditary cancer-predisposing syndrome. Last evaluated: 2024-03-28. Review status: criteria provided, single submitter. Criteria: Ambry Variant Classification Scheme 2023. Collection method: clinical testing. Allele origin: germline.
Comment: The c.2815delC pathogenic mutation, located in coding exon 4 of the MSH6 gene, results from a deletion of one nucleotide at nucleotide position 2815, causing a translational frameshift with a predicted alternate stop codon (p.Q939Kfs*6). This alteration is expected to result in loss of function by premature protein truncation or nonsense-mediated mRNA decay. As such, this alteration is interpreted as a disease-causing mutation.

NM_000179.3(MSH6):c.2815del (p.Gln939fs)

Gene: MSH6 (mutS homolog 6; plus strand). Cytogenetic location: 2p16.3.
Variant type: Deletion.
Coding change: c.2815del on transcript NM_000179.3 (MANE Select); coding-DNA position 2815, one base deleted (C; older notation c.2815delC).
Protein change: p.Gln939fs; shifts the reading frame from glutamine 939.
Molecular consequence: frameshift variant. On other transcripts: non-coding transcript variant (5), intron variant (2).
Genome position (GRCh38, 1-based): chr2:47,800,798, C deleted; the last of 2 consecutive C bases (chr2:47,800,797-47,800,798); deleting either gives the same sequence. VCF-style (leftmost placement, unchanged base first): chr2-47800796-AC-A. GRCh37 (hg19) VCF-style: chr2-48027935-AC-A.
Other names: c.2425del, p.Gln809fs (NM_001281492.2); c.1909del, p.Gln637fs (NM_001281493.2, NM_001281494.2, NM_001406811.1 and 6 more transcripts); c.2911del, p.Gln971fs (NM_001406795.1, NM_001406802.1); c.2815del, p.Gln939fs (NM_001406796.1, NM_001406798.1, NM_001406800.1 and 2 more transcripts); c.2518del, p.Gln840fs (NM_001406797.1, NM_001406801.1, NM_001406805.1 and 10 more transcripts); c.2290del, p.Gln764fs (NM_001406799.1, NM_001406806.1, NM_001406807.1); c.2737del, p.Gln913fs (NM_001406804.1); c.2821del, p.Gln941fs (NM_001406813.1); and 4 more; short protein forms Q637fs, Q840fs, Q883fs, Q913fs, Q941fs, Q254fs, Q764fs, Q809fs.
Identifiers: ClinVar variation 3296357 (VCV003296357.1).